The following is an entry in ClinVar:

ClinVar aggregate classification (germline): Pathogenic. Review status: criteria provided, multiple submitters, no conflicts (2 of 4 stars). 15 submissions from 15 submitters: Pathogenic (13). 2 of the submissions do not count toward it. Last evaluated 2026-01-16.

Conditions:
KCNQ1-related disorder. Also called: KCNQ1-related disorders; KCNQ1-related condition. Identifiers: MedGen CN239322.
Cardiovascular phenotype. Identifiers: MedGen CN230736.
Familial long QT syndrome (RWS). Also called: Romano-Ward syndrome; VENTRICULAR FIBRILLATION WITH PROLONGED QT INTERVAL; Congenital long QT syndrome. Identifiers: Orphanet 768, MedGen C1141890, MONDO:0019171.
Cardiac arrhythmia. Also called: Cardiac rhythm disease; Arrhythmia. Identifiers: MedGen C0003811, MONDO:0007263, HP:0011675.
Long QT syndrome (LQTS). Identifiers: MedGen C0023976, MeSH D008133, MONDO:0002442. Disease mechanism: loss of function. Inheritance: Various modes of inheritance.
Long QT syndrome 1 (LQT1). Identifiers: Orphanet 101016, Orphanet 768, MedGen C4551647, MONDO:0100316, OMIM 192500, MONDO:0008646.

gnomAD v4.1: 6 of 1,568,650 alleles (0.00038%); highest among the groups gnomAD compares: Non-Finnish European, 0.00043%; no homozygotes.

Submissions 1 to 7 of 15:

Labcorp Genetics (formerly Invitae), Labcorp
Classification: Pathogenic for Long QT syndrome. Last evaluated: 2026-01-16. Review status: criteria provided, single submitter. Criteria: Invitae Variant Classification Sherloc (09022015). Collection method: clinical testing. Allele origin: germline.
Comment: This sequence change replaces arginine, which is basic and polar, with cysteine, which is neutral and slightly polar, at codon 555 of the KCNQ1 protein (p.Arg555Cys). The frequency data for this variant in the population databases is considered unreliable, as metrics indicate poor data quality at this position in the gnomAD database. This missense change has been observed in individuals with long QT syndrome (PMID: 9386136, 14998624, 19716085, 23631430). ClinVar contains an entry for this variant (Variation ID: 3126). Invitae Evidence Modeling of protein sequence and biophysical properties (such as structural, functional, and spatial information, amino acid conservation, physicochemical variation, residue mobility, and thermodynamic stability) indicates that this missense variant is expected to disrupt KCNQ1 protein function with a positive predictive value of 95%. Experimental studies have shown that this missense change affects KCNQ1 function (PMID: 15746441, 19841300, 19934648, 21576493, 22456477, 24681627, 25037568, 25348405). For these reasons, this variant has been classified as Pathogenic.

CeGaT Center for Human Genetics Tuebingen
Classification: Pathogenic. Last evaluated: 2026-01-01. Review status: criteria provided, single submitter. Criteria: CeGaT Center For Human Genetics Tuebingen Variant Classification Criteria Version 2. Collection method: clinical testing. Allele origin: germline. Affected: yes. Observed: 3 variant alleles.
Comment: KCNQ1: PP1:Strong, PS4, PM1, PM2, PM5, PP3, PS3:Supporting

Variantyx, Inc.
Classification: Pathogenic for Long QT syndrome 1. Last evaluated: 2025-12-11. Review status: criteria provided, single submitter. Criteria: Variantyx Assertion Criteria 2022. Collection method: clinical testing. Allele origin: germline. Inheritance: Autosomal dominant inheritance. Affected: yes.
Comment: This is a nonsynonymous variant in the KCNQ1 gene (OMIM: 607542). Pathogenic variants in this gene have been associated with autosomal dominant long QT syndrome 1. This variant has been reported in at least 4 unrelated affected individuals (PMID: 9386136,32383558) (PS4_Moderate). Functional studies have shown that this variant alters KCNQ1 protein function (PMID: 15746441, 19934648, 22456477, 24681627, 25037568, 9312006) (PS3), multiple computational algorithms predict a deleterious effect for this variant (REVEL score: 0.93) (PP3), and alternate amino acid changes at this position (p.Arg555Ser; p.Arg555His)have been previously reported in similarly affected individuals, which suggests that this residue is biologically important (PM5). This variant has a 0.0004% maximum allele frequency in non-founder control populations (PM2). Based on the current evidence, this variant is classified as pathogenic for autosomal dominant long QT syndrome 1.

Color Diagnostics, LLC DBA Color Health
Classification: Pathogenic for Cardiac arrhythmia. Last evaluated: 2025-08-25. Review status: criteria provided, single submitter. Criteria: ACMG Guidelines, 2015. Collection method: clinical testing. Allele origin: germline.
Comment: This variant results in the replacement of arginine with cysteine at codon 555 in the C-terminal cytoplasmic domain of the KCNQ1 protein. Computational prediction tools and conservation analyses suggest that this variant may have deleterious impact on the protein function. Multiple functional studies have shown that this variant causes decreased binding affinity for PIP2 and impairs potassium channel function (PMID: 15746441, 19934648, 21576493, 22456477, 24681627, 25037568). This variant has been reported in over 10 unrelated individuals affected with long QT syndrome (PMID: 15840476, 19716085, 22456477, 23631430, 26715165), as well as in an individual affected with Jervell and Lange-Nielsen syndrome (PMID: 37568094). This variant has been reported to segregate with disease in over 40 individuals from 3 different families (PMID: 9386136). In this study, this variant was associated with a mild phenotype compared to other pathogenic variants in the same gene. This variant has not been identified in the general population by the Genome Aggregation Database (gnomAD). Different variants occurring at the same amino acid position, p.Arg555His and p.Arg555Ser, are considered deleterious (ClinVar variation ID: 53003, 67046), indicating that arginine at this position is important for KCNQ1 protein function. Based on available evidence, this variant is classified as Pathogenic.

Women's Health and Genetics/Laboratory Corporation of America, LabCorp
Classification: Pathogenic for Long QT syndrome. Last evaluated: 2025-01-27. Review status: criteria provided, single submitter. Criteria: LabCorp Variant Classification Summary - May 2015. Collection method: clinical testing. Allele origin: germline.
Comment: Variant summary: KCNQ1 c.1663C>T (p.Arg555Cys) results in a non-conservative amino acid change located in the C-terminal domain (IPR013821) of the encoded protein sequence. Five of five in-silico tools predict a damaging effect of the variant on protein function. The variant allele was found at a frequency of 1.1e-05 in 179696 control chromosomes. c.1663C>T has been reported in the literature in several heterozygous individuals affected with Long QT Syndrome (e.g. Donger 1997, Imboden 2006, Yasuda 2008, Al-Hassnan 2017), where the variant was also observed to segregate with the disease in several families, although with a reduced penetrance (Donger 1997). In these families the affected individuals had a milder phenotype with later age of onset, and often normal- or borderline QTc intervals, however authors described several cases with drug-induced symptoms (Donger 1997). Publications also reported experimental evidence evaluating an impact on protein function, and demonstrated compromised potassium channel function as measured by decreased "slow delayed rectifier potassium current" with an impaired PIP2 regulation (e.g. Matavel 2010, Barsheshet 2012) consistent with the established pathophysiology of LQT1. A different variant affecting the same codon has been classified as pathogenic by our lab (c.1664G>A, p.Arg555His), supporting the critical relevance of codon 555 to KCNQ1 protein function. The following publications have been ascertained in the context of this evaluation (PMID: 28438721, 22456477, 9386136, 17192539, 25559286, 24190995, 19934648, 19261104). ClinVar contains an entry for this variant (Variation ID: 3126). Based on the evidence outlined above, the variant was classified as pathogenic.

Blueprint Genetics
Classification: Pathogenic for KCNQ1-related disorders. Last evaluated: 2024-08-29. Review status: criteria provided, single submitter. Criteria: ACMG Guidelines, 2015. Collection method: clinical testing. Allele origin: germline. Affected: yes. Observed: 5 variant alleles.

Ambry Genetics
Classification: Pathogenic for Cardiovascular phenotype. Last evaluated: 2024-02-02. Review status: criteria provided, single submitter. Criteria: Ambry Variant Classification Scheme 2023. Collection method: clinical testing. Allele origin: germline.
Comment: The c.1663C>T (p.R555C) alteration is located in exon 13 (coding exon 13) of the KCNQ1 gene. This alteration results from a C to T substitution at nucleotide position 1663, causing the arginine (R) at amino acid position 555 to be replaced by a cysteine (C). Based on data from gnomAD, the T allele has an overall frequency of 0.001% (2/179696) total alleles studied. The highest observed frequency was 0.006% (1/16062) of European (Finnish) alleles. This alteration has been reported in numerous individuals with long QT syndrome (LQTS) and has been shown to segregate with disease across multigenerational families, although the QT prolongation is typically mild and many of the reported cardiac events are drug-induced (Donger, 1997). This amino acid position is highly conserved in available vertebrate species. In several functional in vitro analyses, this alteration has adversely affected the voltage-gated potassium ion channel, resulting in decreased current amplitude, prolongation of the channel activation threshold, and accelerated channel deactivation (Chouabe, 1997; Dvir, 2014). This alteration is predicted to be deleterious by in silico analysis. Based on the available evidence, this alteration is classified as pathogenic.

NM_000218.3(KCNQ1):c.1663C>T (p.Arg555Cys)

Gene: KCNQ1 (potassium voltage-gated channel subfamily Q member 1; plus strand). Cytogenetic location: 11p15.5.
Variant type: single nucleotide variant.
Coding change: c.1663C>T on transcript NM_000218.3 (MANE Select); coding-DNA position 1663, C replaced by T.
Protein change: p.Arg555Cys; replaces arginine 555 with cysteine.
Molecular consequence: missense variant.
Genome position (GRCh38, 1-based): chr11:2,776,032, C>T. VCF-style: chr11-2776032-C-T. GRCh37 (hg19) VCF-style: chr11-2797262-C-T.
Other names: p.R555C:CGC>TGC; c.1663C>T (LRG_287t1); c.1567C>T, p.Arg523Cys (NM_001406836.1); c.1393C>T, p.Arg465Cys (NM_001406837.1); c.1123C>T, p.Arg375Cys (NM_001406838.1); c.1282C>T, p.Arg428Cys (NM_181798.2); short protein forms R555C, R428C, R375C, R523C, R465C.
Identifiers: ClinVar variation 3126 (VCV000003126.40), dbSNP rs120074185, ClinGen allele CA006141.